The following is an entry in ClinVar:

NM_000183.3(HADHB):c.410dup (p.Cys138fs)

Gene: HADHB (hydroxyacyl-CoA dehydrogenase trifunctional multienzyme complex subunit beta; plus strand). Cytogenetic location: 2p23.3.
Variant type: Duplication.
Coding change: c.410dup on transcript NM_000183.3 (MANE Select); coding-DNA position 410, one base duplicated (C; older notation c.410dupC).
Protein change: p.Cys138fs; shifts the reading frame from cysteine 138.
Molecular consequence: frameshift variant.
Genome position (GRCh38, 1-based): chr2:26,277,128, C duplicated. VCF-style (leftmost placement, unchanged base first): chr2-26277127-G-GC. GRCh37 (hg19) VCF-style: chr2-26499995-G-GC.
Other names: c.365dup, p.Cys123fs (NM_001281512.2); c.344dup, p.Cys116fs (NM_001281513.2); short protein forms C123fs, C116fs, C138fs.
Identifiers: ClinVar variation 2761657 (VCV002761657.3), dbSNP rs2465713850, ClinGen allele CA2697547872.

ClinVar aggregate classification (germline): Pathogenic (1 of 4 stars; one submission).

Conditions:
Mitochondrial trifunctional protein deficiency. Identifiers: Orphanet 746, MedGen C1969443, MONDO:0012172.

Submission:

Labcorp Genetics (formerly Invitae), Labcorp
Classification: Pathogenic for Mitochondrial trifunctional protein deficiency. Last evaluated: 2023-09-19. Review status: criteria provided, single submitter. Criteria: Invitae Variant Classification Sherloc (09022015). Collection method: clinical testing. Allele origin: germline.
Comment: This sequence change creates a premature translational stop signal (p.Cys138Leufs*21) in the HADHB gene. It is expected to result in an absent or disrupted protein product. Loss-of-function variants in HADHB are known to be pathogenic (PMID: 9259266, 12754706). This variant is not present in population databases (gnomAD no frequency). This variant has not been reported in the literature in individuals affected with HADHB-related conditions. For these reasons, this variant has been classified as Pathogenic.

Literature cited by the submitters: PubMed 9259266; PubMed 12754706.